The following is an entry in ClinVar:

NM_004304.5(ALK):c.352G>C (p.Ala118Pro)

Gene: ALK (ALK receptor tyrosine kinase; minus strand). Cytogenetic location: 2p23.1.
Variant type: single nucleotide variant.
Coding change: c.352G>C on transcript NM_004304.5 (MANE Select); coding-DNA position 352, G replaced by C.
Protein change: p.Ala118Pro; replaces alanine 118 with proline.
Molecular consequence: missense variant.
Genome position (GRCh38, 1-based): chr2:29,920,308, C>G on the plus strand (G>C on the coding strand, the complement: ALK is on the minus strand). VCF-style: chr2-29920308-C-G. GRCh37 (hg19) VCF-style: chr2-30143174-C-G.
Other names: short protein forms A118P.
Identifiers: ClinVar variation 945000 (VCV000945000.12), dbSNP rs1383948379, ClinGen allele CA346590208.

ClinVar aggregate classification (germline): Uncertain significance. Review status: criteria provided, multiple submitters, no conflicts (2 of 4 stars). 2 submissions from 2 submitters: Uncertain significance (2). Last evaluated 2025-08-27.

Conditions:
Neuroblastoma, susceptibility to, 3. Also called: ALK-Related Neuroblastic Tumor Susceptibility. Identifiers: Orphanet 635, MedGen C2751681, MONDO:0013083, OMIM 613014.
Hereditary cancer-predisposing syndrome. Also called: Neoplastic Syndromes, Hereditary; Hereditary neoplastic syndrome; Hereditary Cancer Syndrome; Tumor predisposition. Identifiers: Orphanet 140162, MedGen C0027672, MeSH D009386, MONDO:0015356.

Allele frequency attached by ClinVar (database versions not stated): gnomAD 0.00001; TOPMed 0.00001.
gnomAD v4.1: 2 of 1,560,040 alleles (0.00013%); highest among the groups gnomAD compares: Non-Finnish European, 0.00017%; no homozygotes.

Submissions (2):

Labcorp Genetics (formerly Invitae), Labcorp
Classification: Uncertain significance for Neuroblastoma, susceptibility to, 3. Last evaluated: 2025-08-27. Review status: criteria provided, single submitter. Criteria: Invitae Variant Classification Sherloc (09022015). Collection method: clinical testing. Allele origin: germline.
Comment: This sequence change replaces alanine, which is neutral and non-polar, with proline, which is neutral and non-polar, at codon 118 of the ALK protein (p.Ala118Pro). This variant is not present in population databases (gnomAD no frequency). This variant has not been reported in the literature in individuals affected with ALK-related conditions. ClinVar contains an entry for this variant (Variation ID: 945000). An algorithm developed to predict the effect of missense changes on protein structure and function (PolyPhen-2) suggests that this variant is likely to be tolerated. In summary, the available evidence is currently insufficient to determine the role of this variant in disease. Therefore, it has been classified as a Variant of Uncertain Significance.

Ambry Genetics
Classification: Uncertain significance for Hereditary cancer-predisposing syndrome. Last evaluated: 2025-04-06. Review status: criteria provided, single submitter. Criteria: Ambry Variant Classification Scheme 2023. Collection method: clinical testing. Allele origin: germline.
Comment: The p.A118P variant (also known as c.352G>C), located in coding exon 1 of the ALK gene, results from a G to C substitution at nucleotide position 352. The alanine at codon 118 is replaced by proline, an amino acid with highly similar properties. This amino acid position is conserved. In addition, this alteration is predicted to be tolerated by in silico analysis. Since supporting evidence is limited at this time, the clinical significance of this alteration remains unclear.